The following is an entry in ClinVar:

NM_001805.4(CEBPE):c.188C>T (p.Ala63Val)

Gene: CEBPE (CCAAT enhancer binding protein epsilon; minus strand). Cytogenetic location: 14q11.2.
Variant type: single nucleotide variant.
Coding change: c.188C>T on transcript NM_001805.4 (MANE Select); coding-DNA position 188, C replaced by T.
Protein change: p.Ala63Val; replaces alanine 63 with valine.
Molecular consequence: missense variant.
Genome position (GRCh38, 1-based): chr14:23,118,904, G>A on the plus strand (C>T on the coding strand, the complement: CEBPE is on the minus strand). VCF-style: chr14-23118904-G-A. GRCh37 (hg19) VCF-style: chr14-23588113-G-A.
Other names: short protein forms A63V.
Identifiers: ClinVar variation 2168096 (VCV002168096.4), dbSNP rs561833547, ClinGen allele CA7111274.

ClinVar aggregate classification (germline): Uncertain significance (1 of 4 stars; one submission).

Conditions:
Specific granule deficiency. Identifiers: Orphanet 169142, MedGen C0398593, MONDO:0009506.

Allele frequency attached by ClinVar (database versions not stated): ExAC 0.00001; TOPMed 0.00001; gnomAD 0.00003.

Submission:

Labcorp Genetics (formerly Invitae), Labcorp
Classification: Uncertain significance for Specific granule deficiency. Last evaluated: 2022-07-20. Review status: criteria provided, single submitter. Criteria: Invitae Variant Classification Sherloc (09022015). Collection method: clinical testing. Allele origin: germline.
Comment: In summary, the available evidence is currently insufficient to determine the role of this variant in disease. Therefore, it has been classified as a Variant of Uncertain Significance. Algorithms developed to predict the effect of missense changes on protein structure and function (SIFT, PolyPhen-2, Align-GVGD) all suggest that this variant is likely to be tolerated. This variant has not been reported in the literature in individuals affected with CEBPE-related conditions. This variant is present in population databases (rs561833547, gnomAD 0.004%). This sequence change replaces alanine, which is neutral and non-polar, with valine, which is neutral and non-polar, at codon 63 of the CEBPE protein (p.Ala63Val).